The following is an entry in ClinVar:

NM_021942.6(TRAPPC11):c.2312G>A (p.Cys771Tyr)

Genes: TRAPPC11 (trafficking protein particle complex subunit 11; plus strand), LOC126807238 (BRD4-independent group 4 enhancer GRCh37_chr4:184614366-184615565; plus strand). Cytogenetic location: 4q35.1.
Variant type: single nucleotide variant.
Coding change: c.2312G>A on transcript NM_021942.6 (MANE Select); coding-DNA position 2312, G replaced by A.
Protein change: p.Cys771Tyr; replaces cysteine 771 with tyrosine.
Molecular consequence: missense variant.
Genome position (GRCh38, 1-based): chr4:183,693,663, G>A. VCF-style: chr4-183693663-G-A. GRCh37 (hg19) VCF-style: chr4-184614816-G-A.
Other names: c.2312G>A, p.Cys771Tyr (NM_199053.3); short protein forms C771Y.
Identifiers: ClinVar variation 951681 (VCV000951681.10), dbSNP rs1441521643, ClinGen allele CA358871371.

ClinVar aggregate classification (germline): Uncertain significance (1 of 4 stars; one submission).

Conditions:
Autosomal recessive limb-girdle muscular dystrophy type R18 (LGMDR18). Also called: Limb-girdle muscular dystrophy, type 2S; Autosomal recessive limb-girdle muscular dystrophy type 2S; MUSCULAR DYSTROPHY, LIMB-GIRDLE, AUTOSOMAL RECESSIVE 18. Identifiers: Orphanet 369840, MedGen C4517996, MONDO:0014144, OMIM 615356.

Allele frequency attached by ClinVar (database versions not stated): gnomAD exomes below 0.00001 and 0.00001; gnomAD 0.00001; TOPMed 0.00002.
gnomAD v4.1: 25 of 1,613,972 alleles (0.0015%); highest among the groups gnomAD compares: Non-Finnish European, 0.0017%; no homozygotes.

Submission:

Labcorp Genetics (formerly Invitae), Labcorp
Classification: Uncertain significance for Autosomal recessive limb-girdle muscular dystrophy type R18. Last evaluated: 2025-12-08. Review status: criteria provided, single submitter. Criteria: Invitae Variant Classification Sherloc (09022015). Collection method: clinical testing. Allele origin: germline.
Comment: This sequence change replaces cysteine, which is neutral and slightly polar, with tyrosine, which is neutral and polar, at codon 771 of the TRAPPC11 protein (p.Cys771Tyr). This variant is present in population databases (no rsID available, gnomAD no frequency). This variant has not been reported in the literature in individuals affected with TRAPPC11-related conditions. ClinVar contains an entry for this variant (Variation ID: 951681). Invitae Evidence Modeling of protein sequence and biophysical properties (such as structural, functional, and spatial information, amino acid conservation, physicochemical variation, residue mobility, and thermodynamic stability) indicates that this missense variant is not expected to disrupt TRAPPC11 protein function with a negative predictive value of 80%. In summary, the available evidence is currently insufficient to determine the role of this variant in disease. Therefore, it has been classified as a Variant of Uncertain Significance.